The following is an entry in ClinVar:

NM_001374353.1(GLI2):c.685C>T (p.Arg229Cys)

Gene: GLI2 (GLI family zinc finger 2; plus strand). Cytogenetic location: 2q14.2.
Variant type: single nucleotide variant.
Coding change: c.685C>T on transcript NM_001374353.1 (MANE Select); coding-DNA position 685, C replaced by T.
Protein change: p.Arg229Cys; replaces arginine 229 with cysteine.
Molecular consequence: missense variant.
Genome position (GRCh38, 1-based): chr2:120,968,755, C>T. VCF-style: chr2-120968755-C-T. GRCh37 (hg19) VCF-style: chr2-121726331-C-T.
Other names: c.685C>T, p.Arg229Cys (NM_001371271.1, NM_005270.5); c.310C>T, p.Arg104Cys (NM_001374354.1); short protein forms R104C, R229C.
Identifiers: ClinVar variation 4083027 (VCV004083027.1).

ClinVar aggregate classification (germline): Uncertain significance (1 of 4 stars; one submission).

gnomAD v4.1: 16 of 1,613,484 alleles (0.00099%); highest among the groups gnomAD compares: Admixed American, 0.0017%; no homozygotes.

Submission:

GeneDx
Classification: Uncertain significance. Last evaluated: 2025-03-05. Review status: criteria provided, single submitter. Criteria: GeneDx Variant Classification Process June 2021. Collection method: clinical testing. Allele origin: germline. Affected: yes.
Comment: In silico analysis supports that this missense variant has a deleterious effect on protein structure/function; Has not been previously published as pathogenic or benign to our knowledge